The following is an entry in ClinVar:

NM_000393.5(COL5A2):c.906+10A>T

Gene: COL5A2 (collagen type V alpha 2 chain; minus strand). Cytogenetic location: 2q32.2.
Variant type: single nucleotide variant.
Coding change: c.906+10A>T on transcript NM_000393.5 (MANE Select); 10 bases into the intron after coding-DNA position 906, A replaced by T.
Molecular consequence: intron variant.
Genome position (GRCh38, 1-based): chr2:189,080,980, T>A on the plus strand (A>T on the coding strand, the complement: COL5A2 is on the minus strand). VCF-style: chr2-189080980-T-A. GRCh37 (hg19) VCF-style: chr2-189945706-T-A.
Identifiers: ClinVar variation 333146 (VCV000333146.22), dbSNP rs776578452, ClinGen allele CA2022911.

ClinVar aggregate classification (germline): Benign/Likely benign. Review status: criteria provided, multiple submitters, no conflicts (2 of 4 stars). 5 submissions from 5 submitters: Benign (2); Likely benign (3). Last evaluated 2026-03-02.

Conditions:
Ehlers-Danlos syndrome, classic type, 1 (EDSCL1). Also called: Ehlers-Danlos syndrome, type 1; EHLERS-DANLOS SYNDROME, GRAVIS TYPE; EHLERS-DANLOS SYNDROME, SEVERE CLASSIC TYPE; Ehlers-Danlos Syndrome, Classic Type, COL5A1-Related; EDS I. Identifiers: MedGen C0268335, MONDO:0019567, OMIM 130000.
Ehlers-Danlos syndrome, classic type, 2 (EDSCL2). Also called: Ehlers-Danlos syndrome, type 2; Ehlers-Danlos syndrome type 2 (formerly); Ehlers-Danlos Syndrome, Classic Type, COL5A2-Related. Identifiers: Orphanet 287, Orphanet 90318, MedGen C0268336, MONDO:0019568, OMIM 130010.

Allele frequency attached by ClinVar (database versions not stated): gnomAD exomes 0.00010 and 0.00003; TOPMed 0.00007; gnomAD 0.00002; ExAC 0.00009.
gnomAD v4.1: 42 of 1,610,938 alleles (0.0026%); highest among the groups gnomAD compares: East Asian, 0.094%; no homozygotes.

Submissions (5):

Women's Health and Genetics/Laboratory Corporation of America, LabCorp
Classification: Benign. Last evaluated: 2026-03-02. Review status: criteria provided, single submitter. Criteria: LabCorp Variant Classification Summary - May 2015. Collection method: clinical testing. Allele origin: germline.

Labcorp Genetics (formerly Invitae), Labcorp
Classification: Benign for Ehlers-Danlos syndrome, classic type, 1. Last evaluated: 2026-01-06. Review status: criteria provided, single submitter. Criteria: Invitae Variant Classification Sherloc (09022015). Collection method: clinical testing. Allele origin: germline.

ARUP Laboratories, Molecular Genetics and Genomics, ARUP Laboratories
Classification: Likely benign for Ehlers-Danlos syndrome, classic type, 2. Last evaluated: 2025-03-27. Review status: criteria provided, single submitter. Criteria: ARUP Molecular Germline Variant Investigation Process 2024. Collection method: clinical testing. Allele origin: germline.

Illumina Laboratory Services, Illumina
Classification: Likely benign for Ehlers-Danlos syndrome, classic type, 2. Last evaluated: 2018-01-13. Review status: criteria provided, single submitter. Criteria: ICSL Variant Classification Criteria 13 December 2019. Collection method: clinical testing. Allele origin: germline.
Comment: This variant was observed in the ICSL laboratory as part of a predisposition screen in an ostensibly healthy population. It had not been previously curated by ICSL or reported in the Human Gene Mutation Database (HGMD: prior to June 1st, 2018), and was therefore a candidate for classification through an automated scoring system. Utilizing variant allele frequency, disease prevalence and penetrance estimates, and inheritance mode, an automated score was calculated to assess if this variant is too frequent to cause the disease. Based on the score and internal cut-off values, a variant classified as likely benign is not then subjected to further curation. The score for this variant resulted in a classification of likely benign for this disease.

GeneDx
Classification: Likely benign. Last evaluated: 2016-09-19. Review status: criteria provided, single submitter. Criteria: GeneDx Variant Classification (06012015). Collection method: clinical testing. Allele origin: germline. Affected: yes.
Comment: This variant is considered likely benign or benign based on one or more of the following criteria: it is a conservative change, it occurs at a poorly conserved position in the protein, it is predicted to be benign by multiple in silico algorithms, and/or has population frequency not consistent with disease.